The following is an entry in ClinVar:

ClinVar aggregate classification (germline): Uncertain significance (1 of 4 stars; one submission).

Submission:

Labcorp Genetics (formerly Invitae), Labcorp
Classification: Uncertain significance. Last evaluated: 2025-04-17. Review status: criteria provided, single submitter. Criteria: Invitae Variant Classification Sherloc (09022015). Collection method: clinical testing. Allele origin: germline.
Comment: This sequence change replaces proline, which is neutral and non-polar, with leucine, which is neutral and non-polar, at codon 399 of the GSN protein (p.Pro399Leu). This variant is not present in population databases (gnomAD no frequency). This variant has not been reported in the literature in individuals affected with GSN-related conditions. Invitae Evidence Modeling of protein sequence and biophysical properties (such as structural, functional, and spatial information, amino acid conservation, physicochemical variation, residue mobility, and thermodynamic stability) indicates that this missense variant is not expected to disrupt GSN protein function with a negative predictive value of 80%. In summary, the available evidence is currently insufficient to determine the role of this variant in disease. Therefore, it has been classified as a Variant of Uncertain Significance.

NM_198252.3(GSN):c.1043C>T (p.Pro348Leu)

Gene: GSN (gelsolin; plus strand). Cytogenetic location: 9q33.2.
Variant type: single nucleotide variant.
Coding change: c.1043C>T on transcript NM_198252.3 (MANE Select); coding-DNA position 1043, C replaced by T.
Protein change: p.Pro348Leu; replaces proline 348 with leucine.
Molecular consequence: missense variant.
Genome position (GRCh38, 1-based): chr9:121,318,732, C>T. VCF-style: chr9-121318732-C-T. GRCh37 (hg19) VCF-style: chr9-124081010-C-T.
Other names: c.1196C>T, p.Pro399Leu (NM_000177.5); c.1043C>T, p.Pro348Leu (NM_001127662.2, NM_001127664.2, NM_001127665.2 and 10 more transcripts); c.1151C>T, p.Pro384Leu (NM_001127663.2); c.1076C>T, p.Pro359Leu (NM_001127666.2, NM_001127667.2, NM_001353063.2 and 13 more transcripts); c.1094C>T, p.Pro365Leu (NM_001258029.2); c.1067C>T, p.Pro356Leu (NM_001258030.2); c.1115C>T, p.Pro372Leu (NM_001353076.2); c.389C>T, p.Pro130Leu (NM_001353078.2); short protein forms P130L, P359L, P384L, P356L, P348L, P365L, P372L, P399L.
Identifiers: ClinVar variation 4703372 (VCV004703372.1).